The following is an entry in ClinVar:

NM_006268.5(DPF2):c.194-3C>A

Gene: DPF2 (double PHD fingers 2; plus strand). Cytogenetic location: 11q13.1.
Variant type: single nucleotide variant.
Coding change: c.194-3C>A on transcript NM_006268.5 (MANE Select); 3 bases into the intron before coding-DNA position 194, C replaced by A.
Molecular consequence: intron variant.
Genome position (GRCh38, 1-based): chr11:65,340,963, C>A. VCF-style: chr11-65340963-C-A. GRCh37 (hg19) VCF-style: chr11-65108434-C-A.
Other names: c.194-3C>A (NM_001330308.2).
Identifiers: ClinVar variation 1374397 (VCV001374397.6), dbSNP rs2137692392, ClinGen allele CA2573147658.
Genomic context (GRCh38, chr11:65,340,963, plus strand): 5'-GTGTTTGGTATTACTTTCTAATACTGGGTTAGGGCCTGACTTCTATCTTTCTTCCTGCCA[C>A]AGGATTGGCCTCCGGACAGCTGTACTCCTACCCTGCCCGGCGCTGGCGGAAAAAGCGGCG-3'

ClinVar aggregate classification (germline): Uncertain significance (1 of 4 stars; one submission).

gnomAD v4.1: 1 of 1,613,880 alleles (0.000062%); highest among the groups gnomAD compares: Non-Finnish European, 0.000085%; no homozygotes.

Submission:

Labcorp Genetics (formerly Invitae), Labcorp
Classification: Uncertain significance. Last evaluated: 2023-04-05. Review status: criteria provided, single submitter. Criteria: Invitae Variant Classification Sherloc (09022015). Collection method: clinical testing. Allele origin: germline.
Comment: In summary, the available evidence is currently insufficient to determine the role of this variant in disease. Therefore, it has been classified as a Variant of Uncertain Significance. Variants that disrupt the consensus splice site are a relatively common cause of aberrant splicing (PMID: 17576681, 9536098). Algorithms developed to predict the effect of sequence changes on RNA splicing suggest that this variant is not likely to affect RNA splicing. ClinVar contains an entry for this variant (Variation ID: 1374397). This variant has not been reported in the literature in individuals affected with DPF2-related conditions. This variant is not present in population databases (gnomAD no frequency). This sequence change falls in intron 2 of the DPF2 gene. It does not directly change the encoded amino acid sequence of the DPF2 protein. It affects a nucleotide within the consensus splice site.

Literature cited by the submitters: PubMed 17576681; PubMed 9536098.